The following is an entry in ClinVar:

NM_032043.3(BRIP1):c.595C>G (p.Leu199Val)

Gene: BRIP1 (BRCA1 interacting DNA helicase 1; minus strand). Cytogenetic location: 17q23.2.
Variant type: single nucleotide variant.
Coding change: c.595C>G on transcript NM_032043.3 (MANE Select); coding-DNA position 595, C replaced by G.
Protein change: p.Leu199Val; replaces leucine 199 with valine.
Molecular consequence: missense variant.
Genome position (GRCh38, 1-based): chr17:61,847,133, G>C on the plus strand (C>G on the coding strand, the complement: BRIP1 is on the minus strand). VCF-style: chr17-61847133-G-C. GRCh37 (hg19) VCF-style: chr17-59924494-G-C.
Other names: short protein forms L199V.
Identifiers: ClinVar variation 826080 (VCV000826080.4), dbSNP rs144969738, ClinGen allele CA400482937.

ClinVar aggregate classification (germline): Uncertain significance (1 of 4 stars; one submission).

Conditions:
Hereditary cancer-predisposing syndrome. Also called: Neoplastic Syndromes, Hereditary; Tumor predisposition; Hereditary neoplastic syndrome; Hereditary Cancer Syndrome. Identifiers: Orphanet 140162, MedGen C0027672, MeSH D009386, MONDO:0015356.

Submission:

Ambry Genetics
Classification: Uncertain significance for Hereditary cancer-predisposing syndrome. Last evaluated: 2018-03-02. Review status: criteria provided, single submitter. Criteria: Ambry Variant Classification Scheme 2023. Collection method: clinical testing. Allele origin: germline.
Comment: The p.L199V variant (also known as c.595C>G), located in coding exon 5 of the BRIP1 gene, results from a C to G substitution at nucleotide position 595. The leucine at codon 199 is replaced by valine, an amino acid with highly similar properties. This amino acid position is not well conserved in available vertebrate species. In addition, this alteration is predicted to be tolerated by in silico analysis. Since supporting evidence is limited at this time, the clinical significance of this alteration remains unclear.